The following is an entry in ClinVar:

NM_001903.5(CTNNA1):c.1062+4A>G

Gene: CTNNA1 (catenin alpha 1; plus strand). Cytogenetic location: 5q31.2.
Variant type: single nucleotide variant.
Coding change: c.1062+4A>G on transcript NM_001903.5 (MANE Select); 4 bases into the intron after coding-DNA position 1062, A replaced by G.
Molecular consequence: intron variant.
Genome position (GRCh38, 1-based): chr5:138,827,722, A>G. VCF-style: chr5-138827722-A-G. GRCh37 (hg19) VCF-style: chr5-138163411-A-G.
Other names: c.1062+4A>G (NM_001323982.2, NM_001323984.2, NM_001290307.3 and 4 more transcripts); c.693+4A>G (NM_001290310.3); c.753+4A>G (NM_001290309.3).
Identifiers: ClinVar variation 1927627 (VCV001927627.7), dbSNP rs2532448643, ClinGen allele CA2580072945.
Genomic context (GRCh38, chr5:138,827,722, plus strand): 5'-GAGTGTAATGCTGTCCGCCAGGCCCTGCAGGACCTGCTTTCGGAGTACATGGGCAATGTG[A>G]GTTTGACAGCTTTTCTTTGAAGTAAGATATTTATGGATGAGGAGTTTTCTATAACATGTT-3'

ClinVar aggregate classification (germline): Uncertain significance. Review status: criteria provided, multiple submitters, no conflicts (2 of 4 stars). 3 submissions from 3 submitters: Uncertain significance (3). Last evaluated 2025-10-07.

Conditions:
Hereditary cancer-predisposing syndrome. Also called: Hereditary Cancer Syndrome; Hereditary neoplastic syndrome; Neoplastic Syndromes, Hereditary; Tumor predisposition. Identifiers: Orphanet 140162, MedGen C0027672, MeSH D009386, MONDO:0015356.
Patterned macular dystrophy 2. Identifiers: Orphanet 99001, MedGen C1837029, MONDO:0012162, OMIM 608970.

Allele frequency attached by ClinVar (database versions not stated): gnomAD exomes below 0.00001.
gnomAD v4.1: 2 of 1,613,848 alleles (0.00012%); highest among the groups gnomAD compares: Admixed American, 0.0033%; no homozygotes.

Submissions (3):

Labcorp Genetics (formerly Invitae), Labcorp
Classification: Uncertain significance. Last evaluated: 2025-10-07. Review status: criteria provided, single submitter. Criteria: Invitae Variant Classification Sherloc (09022015). Collection method: clinical testing. Allele origin: germline.
Comment: This sequence change falls in intron 7 of the CTNNA1 gene. It does not directly change the encoded amino acid sequence of the CTNNA1 protein. It affects a nucleotide within the consensus splice site. This variant is not present in population databases (gnomAD no frequency). This variant has not been reported in the literature in individuals affected with CTNNA1-related conditions. ClinVar contains an entry for this variant (Variation ID: 1927627). Variants that disrupt the consensus splice site are a relatively common cause of aberrant splicing (PMID: 17576681, 9536098). Studies have shown that this variant is associated with inconclusive levels of altered splicing (internal data). In summary, the available evidence is currently insufficient to determine the role of this variant in disease. Therefore, it has been classified as a Variant of Uncertain Significance.

Ambry Genetics
Classification: Uncertain significance for Hereditary cancer-predisposing syndrome. Last evaluated: 2024-09-23. Review status: criteria provided, single submitter. Criteria: Ambry Variant Classification Scheme 2023. Collection method: clinical testing. Allele origin: germline.
Comment: The c.1062+4A>G intronic variant results from an A to G substitution 4 nucleotides after coding exon 6 in the CTNNA1 gene. This nucleotide position is highly conserved in available vertebrate species. In silico splice site analysis predicts that this alteration may weaken the native splice donor site and will result in the creation or strengthening of a novel splice donor site. The evidence for this gene-disease relationship is limited; therefore, the clinical significance of this alteration is unclear.

Baylor Genetics
Classification: Uncertain significance for Patterned macular dystrophy 2. Last evaluated: 2023-09-26. Review status: criteria provided, single submitter. Criteria: ACMG Guidelines, 2015. Collection method: clinical testing. Allele origin: unknown.

Literature cited by the submitters: PubMed 17576681 (cited by Labcorp Genetics (formerly Invitae), Labcorp); PubMed 9536098 (cited by Labcorp Genetics (formerly Invitae), Labcorp).